The following is an entry in ClinVar:

NM_032043.3(BRIP1):c.2380-7T>G

Gene: BRIP1 (BRCA1 interacting DNA helicase 1; minus strand). Cytogenetic location: 17q23.2.
Variant type: single nucleotide variant.
Coding change: c.2380-7T>G on transcript NM_032043.3 (MANE Select); 7 bases into the intron before coding-DNA position 2380, T replaced by G.
Molecular consequence: intron variant.
Genome position (GRCh38, 1-based): chr17:61,716,070, A>C on the plus strand (T>G on the coding strand, the complement: BRIP1 is on the minus strand). VCF-style: chr17-61716070-A-C. GRCh37 (hg19) VCF-style: chr17-59793431-A-C.
Identifiers: ClinVar variation 1475376 (VCV001475376.7), dbSNP rs2144384592, ClinGen allele CA2573154282.
Genomic context (GRCh38, chr17:61,716,070, plus strand): 5'-TAGAAGACCTCTCAATTTTGAATGGTGGTCATTGTATTGTCGTTTTAGTTCAACCTAATA[A>C]TTTTAAAATATATTTAAAAAATTAGTAGATAATTAAAGCTCATTTTAAACATCATATTAA-3'

ClinVar aggregate classification (germline): Uncertain significance (1 of 4 stars; one submission).

Conditions:
Familial cancer of breast. Also called: Hereditary breast cancer; BREAST CANCER, FAMILIAL; hereditary breast carcinoma. Identifiers: Orphanet 227535, MedGen C0346153, MONDO:0016419, OMIM 114480. Disease mechanism: loss of function.
Fanconi anemia complementation group J. Also called: BRIP1-Related Fanconi Anemia. Identifiers: Orphanet 84, MedGen C1836860, MONDO:0012187, OMIM 609054.

Submission:

Labcorp Genetics (formerly Invitae), Labcorp
Classification: Uncertain significance for Familial cancer of breast; Fanconi anemia complementation group J. Last evaluated: 2022-08-16. Review status: criteria provided, single submitter. Criteria: Invitae Variant Classification Sherloc (09022015). Collection method: clinical testing. Allele origin: germline.
Comment: In summary, the available evidence is currently insufficient to determine the role of this variant in disease. Therefore, it has been classified as a Variant of Uncertain Significance. Algorithms developed to predict the effect of sequence changes on RNA splicing suggest that this variant may disrupt the consensus splice site. ClinVar contains an entry for this variant (Variation ID: 1475376). This variant has not been reported in the literature in individuals affected with BRIP1-related conditions. This variant is not present in population databases (gnomAD no frequency). This sequence change falls in intron 16 of the BRIP1 gene. It does not directly change the encoded amino acid sequence of the BRIP1 protein.